The following is an entry in ClinVar:

ClinVar aggregate classification (germline): Pathogenic (1 of 4 stars; one submission).

Conditions:
Amyotrophic lateral sclerosis type 1 (ALS1). Also called: AMYOTROPHIC LATERAL SCLEROSIS 1, FAMILIAL. Identifiers: Orphanet 803, MedGen C1862939, MONDO:0007103, OMIM 105400.

Submission:

Victorian Clinical Genetics Services, Murdoch Childrens Research Institute
Classification: Pathogenic for Amyotrophic lateral sclerosis type 1. Last evaluated: 2020-05-25. Review status: criteria provided, single submitter. Criteria: ACMG Guidelines, 2015. Collection method: clinical testing. Allele origin: germline.
Comment: Based on the classification scheme VCGS_Germline_v1.1.1, this variant is classified as Pathogenic. Following criteria are met: 0102 - Loss-of-function is a known mechanism of disease for this gene. (N) 0108 - This gene is known to be associated with both recessive and dominant disease. Most commonly an adult onset AD disorder, AR is rare and apperas limited to persons with juvenile onset Amyotrophic Lateral Sclerosis (PMID: 18625408). (N) 0205 - Variant is predicted to result in a truncated protein with less than 1/3 of the protein affected (exon 5). (P) 0251 - Variant is heterozygous. (N) 0301 - Variant is absent from gnomAD. (P) 0600 - Variant is located in an annotated domain or motif. Copper/zinc superoxide dismutase domain (NCBI). (N) 0701 - Comparable variants have very strong previous evidence for pathogenicity. Other variants predicted to cause a truncated protein have been reported as pathogenic in individuals with Amyotrophic Lateral Sclerosis (PMID: 9365366, 9065559, 16952453, 27297615). (P) 0807 - Variant has not previously been reported in a clinical context. (N) 0905 - No segregation evidence has been identified for this variant. (N) 1007 - No published functional evidence has been identified for this variant. (N) 1208 - Inheritance information for this variant is not currently available. (N) Legend: (P) - Pathogenic, (N) - Neutral, (B) - Benign

Literature cited by the submitters: PubMed 9065559; PubMed 9365366; PubMed 16952453; PubMed 18625408; PubMed 27297615.

NM_000454.5(SOD1):c.378dup (p.Lys129fs)

Gene: SOD1 (superoxide dismutase 1; plus strand). Cytogenetic location: 21q22.11.
Variant type: Duplication.
Coding change: c.378dup on transcript NM_000454.5 (MANE Select); coding-DNA position 378, one base duplicated (C; older notation c.378dupC).
Protein change: p.Lys129fs; shifts the reading frame from lysine 129.
Molecular consequence: frameshift variant.
Genome position (GRCh38, 1-based): chr21:31,668,491, C duplicated. VCF-style (leftmost placement, unchanged base first): chr21-31668490-A-AC. GRCh37 (hg19) VCF-style: chr21-33040803-A-AC.
Other names: c.378dupC (NM_000454.4); short protein forms K129fs.
Identifiers: ClinVar variation 3377406 (VCV003377406.1).